The following is an entry in ClinVar:

ClinVar aggregate classification (germline): Conflicting classifications of pathogenicity. Review status: criteria provided, conflicting classifications (1 of 4 stars). 7 submissions from 7 submitters: Uncertain significance (1); Benign (2); Likely benign (3). 1 of the submissions does not count toward it. Last evaluated 2026-05-07.

Conditions:
Spastic paraplegia. Identifiers: MedGen C0037772, HP:0001258.
Charlevoix-Saguenay spastic ataxia (SACS). Also called: Spastic ataxia of Charlevoix-Saguenay; SPASTIC ATAXIA 6, AUTOSOMAL RECESSIVE; AUTOSOMAL RECESSIVE SPASTIC ATAXIA OF CHARLEVOIX-SAGUENAY. Identifiers: Orphanet 98, MedGen C1849140, MONDO:0010041, OMIM 270550.
SACS-related disorder. Also called: SACS-related condition.
Hereditary spastic paraplegia. Also called: Familial spastic paraparesis. Identifiers: Orphanet 685, MedGen C0037773, MONDO:0019064. Disease mechanism: loss of function.

Allele frequency attached by ClinVar (database versions not stated): gnomAD below 0.00001 and 0.00015; TOPMed 0.00003; gnomAD exomes 0.00030 and 0.00063; ExAC 0.00071; 1000 Genomes Project 30x 0.00125; 1000 Genomes Project 0.00140.
gnomAD v4.1: 463 of 1,614,050 alleles (0.029%); highest among the groups gnomAD compares: South Asian, 0.48%; 5 homozygotes.

Submissions (7):

PreventionGenetics, part of Exact Sciences
Classification: Likely benign for SACS-related condition. Last evaluated: 2026-05-07. Review status: criteria provided, single submitter. Criteria: ACMG Guidelines, 2015. Collection method: clinical testing. Allele origin: germline.
Comment: This variant is classified as likely benign based on ACMG/AMP sequence variant interpretation guidelines (Richards et al. 2015 PMID: 25741868, with internal and published modifications).

Labcorp Genetics (formerly Invitae), Labcorp
Classification: Benign for Spastic paraplegia. Last evaluated: 2026-01-28. Review status: criteria provided, single submitter. Criteria: Invitae Variant Classification Sherloc (09022015). Collection method: clinical testing. Allele origin: germline.

Athena Diagnostics
Classification: Benign. Last evaluated: 2025-04-11. Review status: criteria provided, single submitter. Criteria: Athena Diagnostics Criteria. Collection method: clinical testing. Allele origin: unknown.
Comment: The frequency of this variant in the general population is higher than would generally be expected for pathogenic variants in this gene. Computational tools predict this amino acid change may be benign.

Genome-Nilou Lab
Classification: Likely benign for Charlevoix-Saguenay spastic ataxia. Last evaluated: 2021-09-05. Review status: criteria provided, single submitter. Criteria: ACMG Guidelines, 2015. Collection method: clinical testing. Allele origin: germline. Affected: no.

Illumina Laboratory Services, Illumina
Classification: Uncertain significance for Charlevoix-Saguenay spastic ataxia. Last evaluated: 2018-01-13. Review status: criteria provided, single submitter. Criteria: ICSL Variant Classification Criteria 13 December 2019. Collection method: clinical testing. Allele origin: germline.

Genome Diagnostics Laboratory, The Hospital for Sick Children
Classification: Likely benign for Hereditary spastic paraplegia. Last evaluated: 2016-12-12. Review status: criteria provided, single submitter. Criteria: ACMG Guidelines, 2015. Collection method: clinical testing. Allele origin: germline. Affected: yes.

Natera, Inc.
Classification: Uncertain significance for Charlevoix-Saguenay type spastic ataxia. Last evaluated: 2020-01-17. Review status: no assertion criteria provided. Collection method: clinical testing. Allele origin: germline. Not counted in ClinVar's aggregate classification.

NM_014363.6(SACS):c.12829C>T (p.Pro4277Ser)

Gene: SACS (sacsin molecular chaperone; minus strand). Cytogenetic location: 13q12.12.
Variant type: single nucleotide variant.
Coding change: c.12829C>T on transcript NM_014363.6 (MANE Select); coding-DNA position 12829, C replaced by T.
Protein change: p.Pro4277Ser; replaces proline 4277 with serine.
Molecular consequence: missense variant.
Genome position (GRCh38, 1-based): chr13:23,331,047, G>A on the plus strand (C>T on the coding strand, the complement: SACS is on the minus strand). VCF-style: chr13-23331047-G-A. GRCh37 (hg19) VCF-style: chr13-23905186-G-A.
Other names: c.12388C>T, p.Pro4130Ser (NM_001278055.2); short protein forms P4277S, P4130S.
Identifiers: ClinVar variation 699710 (VCV000699710.23), dbSNP rs370655945, ClinGen allele CA6910073.
Genomic context (GRCh38, chr13:23,331,047, plus strand): 5'-TTTTGGGGGACTGATGTTTGGAAGAAGTCTTGTGGCTCTCTCTACCAGAGAAAAGAGGAG[G>A]AATGCTTCTCAGGCCAGGGGTGAGGAACTCAGTGGGGCTGGTTGGTGTAGAAGGAGCACT-3'
Protein context (NP_055178.3, residues 4267-4287): EFLTPGLRSI[Pro4277Ser]PLFSGRESHK